The following is an entry in ClinVar:

NM_001376.5(DYNC1H1):c.10263_10274del (p.Asp3422_Asp3425del)

Gene: DYNC1H1 (dynein cytoplasmic 1 heavy chain 1; plus strand). Cytogenetic location: 14q32.31.
Variant type: Deletion.
Coding change: c.10263_10274del on transcript NM_001376.5 (MANE Select); coding-DNA positions 10263 to 10274, 12 bases deleted (TGACGCCAAGGA).
Protein change: p.Asp3422_Asp3425del.
Molecular consequence: inframe deletion.
Genome position (GRCh38, 1-based): chr14:102,033,334-102,033,345, TGACGCCAAGGA deleted; deleting any 12 consecutive bases within chr14:102,033,332-102,033,345 gives the same sequence; the c. name uses the placement nearest the transcript's 3' end. VCF-style (leftmost placement, unchanged base first): chr14-102033331-AGATGACGCCAAG-A. GRCh37 (hg19) VCF-style: chr14-102499668-AGATGACGCCAAG-A.
Identifiers: ClinVar variation 1711374 (VCV001711374.30), dbSNP rs2503823659, ClinGen allele CA2580088401.

ClinVar aggregate classification (germline): Likely pathogenic (1 of 4 stars; one submission).

Submission:

CeGaT Center for Human Genetics Tuebingen
Classification: Likely pathogenic. Last evaluated: 2022-08-01. Review status: criteria provided, single submitter. Criteria: CeGaT Center For Human Genetics Tuebingen Variant Classification Criteria Version 2. Collection method: clinical testing. Allele origin: germline. Affected: yes. Observed: 1 variant allele.
Comment: DYNC1H1: PM2, PM4, PS2:Moderate